The following is an entry in ClinVar:

NM_173598.6(KSR2):c.655C>G (p.Pro219Ala)

Gene: KSR2 (kinase suppressor of ras 2; minus strand). Cytogenetic location: 12q24.23.
Variant type: single nucleotide variant.
Coding change: c.655C>G on transcript NM_173598.6 (MANE Select); coding-DNA position 655, C replaced by G.
Protein change: p.Pro219Ala; replaces proline 219 with alanine.
Molecular consequence: missense variant.
Genome position (GRCh38, 1-based): chr12:117,761,342, G>C on the plus strand (C>G on the coding strand, the complement: KSR2 is on the minus strand). VCF-style: chr12-117761342-G-C. GRCh37 (hg19) VCF-style: chr12-118199147-G-C.
Other names: short protein forms P219A.
Identifiers: ClinVar variation 4994269 (VCV004994269.1).

ClinVar aggregate classification (germline): Uncertain significance (1 of 4 stars; one submission).

Conditions:
KSR2-related disorder. Also called: KSR2-related condition.

Submission:

PreventionGenetics, part of Exact Sciences
Classification: Uncertain significance for KSR2-related condition. Last evaluated: 2025-12-08. Review status: criteria provided, single submitter. Criteria: ACMG Guidelines, 2015. Collection method: clinical testing. Allele origin: germline.
Comment: The KSR2 c.568C>G variant is predicted to result in the amino acid substitution p.Pro190Ala. To our knowledge, this variant has not been reported in the literature or in a large population database (gnomAD), indicating this variant is rare. At this time, the clinical significance of this variant is uncertain due to the absence of conclusive functional and genetic evidence.